The following is an entry in ClinVar:

NM_001286577.2(C2CD3):c.205A>G (p.Thr69Ala)

Gene: C2CD3 (C2 domain containing 3 centriole elongation regulator; minus strand). Cytogenetic location: 11q13.4.
Variant type: single nucleotide variant.
Coding change: c.205A>G on transcript NM_001286577.2 (MANE Select); coding-DNA position 205, A replaced by G.
Protein change: p.Thr69Ala; replaces threonine 69 with alanine.
Molecular consequence: missense variant.
Genome position (GRCh38, 1-based): chr11:74,168,464, T>C on the plus strand (A>G on the coding strand, the complement: C2CD3 is on the minus strand). VCF-style: chr11-74168464-T-C. GRCh37 (hg19) VCF-style: chr11-73879509-T-C.
Other names: c.205A>G, p.Thr69Ala (NM_015531.6); short protein forms T69A.
Identifiers: ClinVar variation 1997208 (VCV001997208.4), dbSNP rs2496711225, ClinGen allele CA381825788.

ClinVar aggregate classification (germline): Uncertain significance (1 of 4 stars; one submission).

Submission:

Labcorp Genetics (formerly Invitae), Labcorp
Classification: Uncertain significance. Last evaluated: 2022-05-30. Review status: criteria provided, single submitter. Criteria: Invitae Variant Classification Sherloc (09022015). Collection method: clinical testing. Allele origin: germline.
Comment: This sequence change replaces threonine, which is neutral and polar, with alanine, which is neutral and non-polar, at codon 69 of the C2CD3 protein (p.Thr69Ala). This variant is not present in population databases (gnomAD no frequency). This variant has not been reported in the literature in individuals affected with C2CD3-related conditions. Algorithms developed to predict the effect of missense changes on protein structure and function are either unavailable or do not agree on the potential impact of this missense change (SIFT: "Deleterious"; PolyPhen-2: "Probably Damaging"; Align-GVGD: "Class C0"). In summary, the available evidence is currently insufficient to determine the role of this variant in disease. Therefore, it has been classified as a Variant of Uncertain Significance.